The following is an entry in ClinVar:

NM_006612.6(KIF1C):c.2694A>G (p.Ala898=)

Gene: KIF1C (kinesin family member 1C; plus strand). Cytogenetic location: 17p13.2.
Variant type: single nucleotide variant.
Coding change: c.2694A>G on transcript NM_006612.6 (MANE Select); coding-DNA position 2694, A replaced by G.
Protein change: p.Ala898=; no amino-acid change (alanine 898 retained).
Molecular consequence: synonymous variant.
Genome position (GRCh38, 1-based): chr17:5,023,533, A>G. VCF-style: chr17-5023533-A-G. GRCh37 (hg19) VCF-style: chr17-4926828-A-G.
Other names: c.2694A>G (NM_006612.5).
Identifiers: ClinVar variation 1090080 (VCV001090080.11), dbSNP rs773159298, ClinGen allele CA8319363.

ClinVar aggregate classification (germline): Likely benign. Review status: criteria provided, single submitter (1 of 4 stars). 2 submissions from 2 submitters: Likely benign (1). 1 of the submissions does not count toward it. Last evaluated 2022-06-20.

Conditions:
KIF1C-related disorder. Also called: KIF1C-related condition.
Spastic ataxia 2. Also called: Ataxia, spastic, 2, autosomal recessive. Identifiers: Orphanet 397946, MedGen C1969796, MONDO:0012651, OMIM 611302.

Allele frequency attached by ClinVar (database versions not stated): gnomAD exomes 0.00001; ExAC 0.00002; gnomAD 0.00002; TOPMed 0.00002.
gnomAD v4.1: 21 of 1,613,730 alleles (0.0013%); highest among the groups gnomAD compares: Non-Finnish European, 0.0018%; no homozygotes.

Submissions (2):

Labcorp Genetics (formerly Invitae), Labcorp
Classification: Likely benign for Spastic ataxia 2. Last evaluated: 2022-06-20. Review status: criteria provided, single submitter. Criteria: Invitae Variant Classification Sherloc (09022015). Collection method: clinical testing. Allele origin: germline.

PreventionGenetics, part of Exact Sciences
Classification: Likely benign for KIF1C-related condition. Last evaluated: 2022-10-17. Review status: no assertion criteria provided. Collection method: clinical testing. Allele origin: germline. Not counted in ClinVar's aggregate classification.
Comment: This variant is classified as likely benign based on ACMG/AMP sequence variant interpretation guidelines (Richards et al. 2015 PMID: 25741868, with internal and published modifications).